The following is an entry in ClinVar:

ClinVar aggregate classification (germline): Uncertain significance (1 of 4 stars; one submission).

Conditions:
Chuvash polycythemia. Also called: POLYCYTHEMIA, VHL-DEPENDENT. Identifiers: Orphanet 238557, MedGen C1837915, MONDO:0009892, OMIM 263400.
Von Hippel-Lindau syndrome (VHLS). Also called: von Hippel–Lindau syndrome; VHL syndrome; Von Hippel-Lindau. Identifiers: Orphanet 892, MedGen C0019562, MONDO:0008667, OMIM 193300. Disease mechanism: loss of function.

Submission:

Labcorp Genetics (formerly Invitae), Labcorp
Classification: Uncertain significance for Von Hippel-Lindau syndrome; Chuvash polycythemia. Last evaluated: 2022-06-24. Review status: criteria provided, single submitter. Criteria: Invitae Variant Classification Sherloc (09022015). Collection method: clinical testing. Allele origin: germline.
Comment: In summary, the available evidence is currently insufficient to determine the role of this variant in disease. Therefore, it has been classified as a Variant of Uncertain Significance. Algorithms developed to predict the effect of sequence changes on RNA splicing suggest that this variant is not likely to affect RNA splicing. This variant has not been reported in the literature in individuals affected with VHL-related conditions. This variant is not present in population databases (gnomAD no frequency). This sequence change falls in intron 1 of the VHL gene. It is not expected to change the encoded amino acid sequence of the VHL protein. However, this sequence change falls within a cryptic exon in the VHL gene, known as exon E1’, which is naturally expressed at low levels in several human tissues (PMID: 29891534).

Literature cited by the submitters: PubMed 29891534.

NM_000551.4(VHL):c.340+731C>T

Genes: VHL (von Hippel-Lindau tumor suppressor; plus strand), LOC107303340 (3p25 von Hippel-Lindau tumor suppressor, E3 ubiquitin protein ligase Alu-mediated recombination region; plus strand). Cytogenetic location: 3p25.3.
Variant type: single nucleotide variant.
Coding change: c.340+731C>T on transcript NM_000551.4 (MANE Select); 731 bases into the intron after coding-DNA position 340, C replaced by T.
Molecular consequence: intron variant. On other transcripts: synonymous variant (1), non-coding transcript variant (1).
Genome position (GRCh38, 1-based): chr3:10,142,918, C>T. VCF-style: chr3-10142918-C-T. GRCh37 (hg19) VCF-style: chr3-10184602-C-T.
Other names: c.496C>T, p.Leu166= (NM_001354723.2); c.340+731C>T (NM_198156.3).
Identifiers: ClinVar variation 2010022 (VCV002010022.4), dbSNP rs2470160180, ClinGen allele CA2580068441.